The following is an entry in ClinVar:

NM_004380.3(CREBBP):c.2803C>T (p.Gln935Ter)

Gene: CREBBP (CREB binding lysine acetyltransferase; minus strand). Cytogenetic location: 16p13.3.
Variant type: single nucleotide variant.
Coding change: c.2803C>T on transcript NM_004380.3 (MANE Select); coding-DNA position 2803, C replaced by T.
Protein change: p.Gln935Ter; replaces glutamine 935 with a stop codon.
Molecular consequence: nonsense.
Genome position (GRCh38, 1-based): chr16:3,770,647, G>A on the plus strand (C>T on the coding strand, the complement: CREBBP is on the minus strand). VCF-style: chr16-3770647-G-A. GRCh37 (hg19) VCF-style: chr16-3820648-G-A.
Other names: c.2689C>T, p.Gln897Ter (NM_001079846.1); short protein forms Q935*, Q897*.
Identifiers: ClinVar variation 2815242 (VCV002815242.3), dbSNP rs2141199590, ClinGen allele CA394550701.

ClinVar aggregate classification (germline): Pathogenic (1 of 4 stars; one submission).

Conditions:
Rubinstein-Taybi syndrome (RSTS). Identifiers: Orphanet 783, MedGen C0035934, MONDO:0019188.

Submission:

Labcorp Genetics (formerly Invitae), Labcorp
Classification: Pathogenic for Rubinstein-Taybi syndrome. Last evaluated: 2022-11-19. Review status: criteria provided, single submitter. Criteria: Invitae Variant Classification Sherloc (09022015). Collection method: clinical testing. Allele origin: germline.
Comment: For these reasons, this variant has been classified as Pathogenic. This variant has not been reported in the literature in individuals affected with CREBBP-related conditions. This variant is not present in population databases (gnomAD no frequency). This sequence change creates a premature translational stop signal (p.Gln935*) in the CREBBP gene. It is expected to result in an absent or disrupted protein product. Loss-of-function variants in CREBBP are known to be pathogenic (PMID: 17052327, 18792986).

Literature cited by the submitters: PubMed 17052327; PubMed 18792986.